The following is an entry in ClinVar:

ClinVar aggregate classification (germline): Uncertain significance (1 of 4 stars; one submission).

Conditions:
Developmental and epileptic encephalopathy, 9 (DEE9). Also called: Early infantile epileptic encephalopathy 9; JUBERG-HELLMAN SYNDROME; EPILEPSY, FEMALE-RESTRICTED, WITH MENTAL RETARDATION; PCDH19-Related X-Linked Female-Limited Epilepsy with Mental Retardation. Identifiers: Orphanet 101039, Orphanet 2076, MedGen C1848137, MONDO:0010246, OMIM 300088. Disease mechanism: loss of function.

Allele frequency attached by ClinVar (database versions not stated): TOPMed 0.00001; gnomAD exomes 0.00002 and 0.00003; ExAC 0.00005.
gnomAD v4.1: 18 of 1,212,371 alleles (0.0015%); highest among the groups gnomAD compares: South Asian, 0.032%; no homozygotes.

Submission:

Labcorp Genetics (formerly Invitae), Labcorp
Classification: Uncertain significance for Developmental and epileptic encephalopathy, 9. Last evaluated: 2024-04-23. Review status: criteria provided, single submitter. Criteria: Invitae Variant Classification Sherloc (09022015). Collection method: clinical testing. Allele origin: germline.
Comment: This sequence change replaces glutamic acid, which is acidic and polar, with lysine, which is basic and polar, at codon 308 of the PCDH19 protein (p.Glu308Lys). This variant is present in population databases (rs775309866, gnomAD 0.03%). This variant has not been reported in the literature in individuals affected with PCDH19-related conditions. ClinVar contains an entry for this variant (Variation ID: 1019037). Advanced modeling of protein sequence and biophysical properties (such as structural, functional, and spatial information, amino acid conservation, physicochemical variation, residue mobility, and thermodynamic stability) has been performed at Invitae for this missense variant, however the output from this modeling did not meet the statistical confidence thresholds required to predict the impact of this variant on PCDH19 protein function. In summary, the available evidence is currently insufficient to determine the role of this variant in disease. Therefore, it has been classified as a Variant of Uncertain Significance.

NM_001184880.2(PCDH19):c.922G>A (p.Glu308Lys)

Gene: PCDH19 (protocadherin 19; minus strand). Cytogenetic location: Xq22.1.
Variant type: single nucleotide variant.
Coding change: c.922G>A on transcript NM_001184880.2 (MANE Select); coding-DNA position 922, G replaced by A.
Protein change: p.Glu308Lys; replaces glutamic acid 308 with lysine.
Molecular consequence: missense variant.
Genome position (GRCh38, 1-based): chrX:100,407,676, C>T on the plus strand (G>A on the coding strand, the complement: PCDH19 is on the minus strand). VCF-style: chrX-100407676-C-T. GRCh37 (hg19) VCF-style: chrX-99662674-C-T.
Other names: c.922G>A, p.Glu308Lys (NM_001105243.2, NM_020766.3); short protein forms E308K.
Identifiers: ClinVar variation 1019037 (VCV001019037.9), dbSNP rs775309866, ClinGen allele CA10468937.